The following is an entry in ClinVar:

ClinVar aggregate classification (germline): Conflicting classifications of pathogenicity. Review status: criteria provided, conflicting classifications (1 of 4 stars). 3 submissions from 3 submitters: Uncertain significance (2); Likely benign (1). Last evaluated 2025-12-17.

Conditions:
Spinocerebellar ataxia type 42. Identifiers: Orphanet 458803, MedGen C4225205, MONDO:0014776, OMIM 616795.
Inborn genetic diseases. Identifiers: MedGen C0950123, MeSH D030342.

Allele frequency attached by ClinVar (database versions not stated): gnomAD 0.00003; gnomAD exomes 0.00003; TOPMed 0.00005; ExAC 0.00007; 1000 Genomes Project 30x 0.00016; 1000 Genomes Project 0.00020.
gnomAD v4.1: 52 of 1,613,334 alleles (0.0032%); highest among the groups gnomAD compares: East Asian, 0.029%; no homozygotes.

Submissions (3):

Women's Health and Genetics/Laboratory Corporation of America, LabCorp
Classification: Uncertain significance. Last evaluated: 2025-12-17. Review status: criteria provided, single submitter. Criteria: LabCorp Variant Classification Summary - May 2015. Collection method: clinical testing. Allele origin: germline.
Comment: Variant summary: CACNA1G c.2131C>T (p.Arg711Trp) results in a non-conservative amino acid change in the encoded protein sequence. Algorithms developed to predict the effect of missense changes on protein structure and function are either unavailable or do not agree on the potential impact of this missense change. The variant allele was found at a frequency of 5.6e-05 in 248624 control chromosomes. This frequency is not significantly higher than estimated for disease-causing variants in CACNA1G, allowing no conclusion about variant significance. To our knowledge, no occurrence of c.2131C>T in individuals affected with CACNA1G-related conditions and no experimental evidence demonstrating its impact on protein function have been reported. ClinVar contains an entry for this variant (Variation ID: 1709627). Based on the evidence outlined above, the variant was classified as uncertain significance.

Ambry Genetics
Classification: Likely benign for Inborn genetic diseases. Last evaluated: 2025-04-30. Review status: criteria provided, single submitter. Criteria: Ambry Variant Classification Scheme 2023. Collection method: clinical testing. Allele origin: germline.

MGZ Medical Genetics Center
Classification: Uncertain significance for Spinocerebellar ataxia type 42. Last evaluated: 2022-03-21. Review status: criteria provided, single submitter. Criteria: ACMG Guidelines, 2015. Collection method: clinical testing. Allele origin: germline. Affected: yes. Observed: 1 variant allele.
Comment: ACMG criteria applied: PM2_SUP, PP2, PP3

NM_018896.5(CACNA1G):c.2131C>T (p.Arg711Trp)

Gene: CACNA1G (calcium voltage-gated channel subunit alpha1 G; plus strand). Cytogenetic location: 17q21.33.
Variant type: single nucleotide variant.
Coding change: c.2131C>T on transcript NM_018896.5 (MANE Select); coding-DNA position 2131, C replaced by T.
Protein change: p.Arg711Trp; replaces arginine 711 with tryptophan.
Molecular consequence: missense variant. On other transcripts: non-coding transcript variant (5).
Genome position (GRCh38, 1-based): chr17:50,578,394, C>T. VCF-style: chr17-50578394-C-T. GRCh37 (hg19) VCF-style: chr17-48655755-C-T.
Other names: c.2131C>T (NM_018896.3); c.2131C>T, p.Arg711Trp (NM_001256324.2, NM_001256325.2, NM_001256326.2 and 24 more transcripts); short protein forms R711W.
Identifiers: ClinVar variation 1709627 (VCV001709627.4), dbSNP rs2301833, ClinGen allele CA8652340.